The following is an entry in ClinVar:

ClinVar aggregate classification (germline): Likely benign (1 of 4 stars; one submission).

Conditions:
Juvenile polyposis/hereditary hemorrhagic telangiectasia syndrome (JPHT). Also called: JP/HHT SYNDROME; JUVENILE POLYPOSIS WITH HEREDITARY HEMORRHAGIC TELANGIECTASIA; POLYPOSIS, GENERALIZED JUVENILE, WITH PULMONARY ARTERIOVENOUS MALFORMATION; TELANGIECTASIA, HEREDITARY HEMORRHAGIC, WITH JUVENILE POLYPOSIS COLI; Juvenile Polyposis Syndrome / Hereditary Hemorrhagic Telangiectasia (JPS/HHT). Identifiers: Orphanet 2929, MedGen C1832942, MONDO:0008278, OMIM 175050.

Submission:

Myriad Genetics, Inc.
Classification: Likely benign for Juvenile polyposis/hereditary hemorrhagic telangiectasia syndrome. Last evaluated: 2025-03-18. Review status: criteria provided, single submitter. Criteria: Myriad Autosomal Dominant, Autosomal Recessive and X-Linked Classification Criteria (2023). Collection method: clinical testing. Allele origin: unknown.
Comment: This variant is considered likely benign. This variant is intronic and is not expected to impact mRNA splicing.

NM_005359.6(SMAD4):c.249+9del

Gene: SMAD4 (SMAD family member 4; plus strand). Cytogenetic location: 18q21.2.
Variant type: Deletion.
Coding change: c.249+9del on transcript NM_005359.6 (MANE Select); 9 bases into the intron after coding-DNA position 249, one base deleted (T; older notation c.249+9delT).
Molecular consequence: intron variant.
Genome position (GRCh38, 1-based): chr18:51,047,304, T deleted; the last of 2 consecutive T bases (chr18:51,047,303-51,047,304); deleting either gives the same sequence. VCF-style (leftmost placement, unchanged base first): chr18-51047302-CT-C. GRCh37 (hg19) VCF-style: chr18-48573672-CT-C.
Other names: c.249+9del (NM_001407042.1, NM_001407041.1, NM_001407043.1).
Identifiers: ClinVar variation 3904096 (VCV003904096.1).